The following is an entry in ClinVar:

ClinVar aggregate classification (germline): Uncertain significance (1 of 4 stars; one submission).

gnomAD v4.1: 1 of 1,614,192 alleles (0.000062%); highest among the groups gnomAD compares: South Asian, 0.0011%; no homozygotes.

Submission:

GeneDx
Classification: Uncertain significance. Last evaluated: 2026-01-27. Review status: criteria provided, single submitter. Criteria: GeneDx Variant Classification Process June 2021. Collection method: clinical testing. Allele origin: germline.
Comment: In silico analysis supports that this missense variant has a deleterious effect on protein structure/function; Has not been previously published as pathogenic or benign to our knowledge

NM_032188.3(KAT8):c.782A>G (p.Gln261Arg)

Gene: KAT8 (lysine acetyltransferase 8; plus strand). Cytogenetic location: 16p11.2.
Variant type: single nucleotide variant.
Coding change: c.782A>G on transcript NM_032188.3 (MANE Select); coding-DNA position 782, A replaced by G.
Protein change: p.Gln261Arg; replaces glutamine 261 with arginine.
Molecular consequence: missense variant.
Genome position (GRCh38, 1-based): chr16:31,130,027, A>G. VCF-style: chr16-31130027-A-G. GRCh37 (hg19) VCF-style: chr16-31141348-A-G.
Other names: c.782A>G, p.Gln261Arg (NM_182958.4); short protein forms Q261R.
Identifiers: ClinVar variation 4975784 (VCV004975784.1).